The following is an entry in ClinVar:

ClinVar aggregate classification (germline): Likely benign. Review status: criteria provided, multiple submitters, no conflicts (2 of 4 stars). 4 submissions from 4 submitters: Likely benign (4). Last evaluated 2025-09-15.

Conditions:
Hereditary cancer-predisposing syndrome. Also called: Tumor predisposition; Neoplastic Syndromes, Hereditary; Hereditary Cancer Syndrome; Hereditary neoplastic syndrome. Identifiers: Orphanet 140162, MedGen C0027672, MeSH D009386, MONDO:0015356.
POLD1-related polyposis and colorectal cancer syndrome (CRCS10). Also called: Colorectal cancer 10; COLORECTAL CANCER, SUSCEPTIBILITY TO, ON CHROMOSOME 19q; Colorectal cancer, susceptibility to, 10. Identifiers: Orphanet 220460, MedGen C2675481, MONDO:0012953, OMIM 612591.

Allele frequency attached by ClinVar (database versions not stated): gnomAD below 0.00001 and 0.00001; gnomAD exomes 0.00001 and 0.00002; TOPMed 0.00001; ExAC 0.00002.
gnomAD v4.1: 20 of 1,607,844 alleles (0.0012%); highest among the groups gnomAD compares: South Asian, 0.018%; no homozygotes.

Submissions (4):

Labcorp Genetics (formerly Invitae), Labcorp
Classification: Likely benign for POLD1-related polyposis and colorectal cancer syndrome. Last evaluated: 2025-09-15. Review status: criteria provided, single submitter. Criteria: Invitae Variant Classification Sherloc (09022015). Collection method: clinical testing. Allele origin: germline.

Center for Genomic Medicine, Rigshospitalet, Copenhagen University Hospital
Classification: Likely benign. Last evaluated: 2025-03-04. Review status: criteria provided, single submitter. Criteria: ACMG Guidelines, 2015. Collection method: clinical testing. Allele origin: germline.

GeneDx
Classification: Likely benign. Last evaluated: 2018-05-15. Review status: criteria provided, single submitter. Criteria: GeneDx Variant Classification (06012015). Collection method: clinical testing. Allele origin: germline. Affected: yes.
Comment: This variant is considered likely benign or benign based on one or more of the following criteria: it is a conservative change, it occurs at a poorly conserved position in the protein, it is predicted to be benign by multiple in silico algorithms, and/or has population frequency not consistent with disease.

Ambry Genetics
Classification: Likely benign for Hereditary cancer-predisposing syndrome. Last evaluated: 2018-01-23. Review status: criteria provided, single submitter. Criteria: Ambry Variant Classification Scheme 2023. Collection method: clinical testing. Allele origin: germline.

NM_002691.4(POLD1):c.2115C>T (p.Gly705=)

Gene: POLD1 (DNA polymerase delta 1, catalytic subunit; plus strand). Cytogenetic location: 19q13.33.
Variant type: single nucleotide variant.
Coding change: c.2115C>T on transcript NM_002691.4 (MANE Select); coding-DNA position 2115, C replaced by T.
Protein change: p.Gly705=; no amino-acid change (glycine 705 retained).
Molecular consequence: synonymous variant. On other transcripts: non-coding transcript variant (1).
Genome position (GRCh38, 1-based): chr19:50,409,627, C>T. VCF-style: chr19-50409627-C-T. GRCh37 (hg19) VCF-style: chr19-50912884-C-T.
Other names: c.2115C>T, p.Gly705= (NM_001256849.1); c.2193C>T, p.Gly731= (NM_001308632.1); c.2115C>T (NM_002691.2).
Identifiers: ClinVar variation 571892 (VCV000571892.21), dbSNP rs777115075, ClinGen allele CA9596388.